The following is an entry in ClinVar:

NM_001044.5(SLC6A3):c.1599+211A>G

Genes: SLC6A3 (solute carrier family 6 member 3), LOC126807284 (CDK7 strongly-dependent group 2 enhancer GRCh37_chr5:1404958-1406157). Cytogenetic location: 5p15.33.
Variant type: single nucleotide variant.
Coding change: c.1599+211A>G on transcript NM_001044.5 (MANE Select); 211 bases into the intron after coding-DNA position 1599, A replaced by G.
Molecular consequence: intron variant.
Genome position (GRCh38, 1-based): chr5:1,405,977, T>C on the plus strand (A>G on the coding strand, the complement: SLC6A3 is on the minus strand). VCF-style: chr5-1405977-T-C. GRCh37 (hg19) VCF-style: chr5-1406092-T-C.
Identifiers: ClinVar variation 4872116 (VCV004872116.2).

ClinVar aggregate classification (germline): Likely benign (1 of 4 stars; one submission).

gnomAD v4.1: 255 of 151,120 alleles (0.17%); highest among the groups gnomAD compares: African/African-American, 0.6%; 4 homozygotes.

Submission:

CeGaT Center for Human Genetics Tuebingen
Classification: Likely benign. Last evaluated: 2026-04-01. Review status: criteria provided, single submitter. Criteria: CeGaT Center For Human Genetics Tuebingen Variant Classification Criteria Version 2. Collection method: clinical testing. Allele origin: germline. Affected: yes. Observed: 1 variant allele.
Comment: SLC6A3: BS2